The following is an entry in ClinVar:

ClinVar aggregate classification (germline): Uncertain significance (1 of 4 stars; one submission).

Conditions:
Neuropathy, hereditary sensory and autonomic, type 2A (HSAN2A). Also called: ACROOSTEOLYSIS, GIACCAI TYPE; ACROOSTEOLYSIS, NEUROGENIC; MORVAN DISEASE; NEUROPATHY, CONGENITAL SENSORY; NEUROPATHY, HEREDITARY SENSORY RADICULAR, AUTOSOMAL RECESSIVE; NEUROPATHY, HEREDITARY SENSORY, TYPE IIA. Identifiers: Orphanet 970, MedGen C2752089, MONDO:0024309, OMIM 201300.
Generalized epilepsy with febrile seizures plus, type 7 (GEFSP7). Also called: GEFS+, TYPE 7. Identifiers: Orphanet 36387, MedGen C2751778, MONDO:0013470, OMIM 613863.

Submission:

Labcorp Genetics (formerly Invitae), Labcorp
Classification: Uncertain significance for Neuropathy, hereditary sensory and autonomic, type 2A; Generalized epilepsy with febrile seizures plus, type 7. Last evaluated: 2024-02-17. Review status: criteria provided, single submitter. Criteria: Invitae Variant Classification Sherloc (09022015). Collection method: clinical testing. Allele origin: germline.
Comment: This sequence change replaces serine, which is neutral and polar, with leucine, which is neutral and non-polar, at codon 635 of the SCN9A protein (p.Ser635Leu). This variant is not present in population databases (gnomAD no frequency). This variant has not been reported in the literature in individuals affected with SCN9A-related conditions. ClinVar contains an entry for this variant (Variation ID: 567072). Advanced modeling of protein sequence and biophysical properties (such as structural, functional, and spatial information, amino acid conservation, physicochemical variation, residue mobility, and thermodynamic stability) has been performed at Invitae for this missense variant, however the output from this modeling did not meet the statistical confidence thresholds required to predict the impact of this variant on SCN9A protein function. In summary, the available evidence is currently insufficient to determine the role of this variant in disease. Therefore, it has been classified as a Variant of Uncertain Significance.

NM_001365536.1(SCN9A):c.1904C>T (p.Ser635Leu)

Genes: SCN1A-AS1 (SCN1A and SCN9A antisense RNA 1; plus strand), SCN9A (sodium voltage-gated channel alpha subunit 9; minus strand). Cytogenetic location: 2q24.3.
Variant type: single nucleotide variant.
Coding change: c.1904C>T on transcript NM_001365536.1 (MANE Select); coding-DNA position 1904, C replaced by T.
Protein change: p.Ser635Leu; replaces serine 635 with leucine.
Molecular consequence: missense variant.
Genome position (GRCh38, 1-based): chr2:166,284,523, G>A on the plus strand (C>T on the coding strand, the complement: SCN9A is on the minus strand). VCF-style: chr2-166284523-G-A. GRCh37 (hg19) VCF-style: chr2-167141033-G-A.
Other names: c.1904C>T, p.Ser635Leu (NM_002977.4); short protein forms S635L.
Identifiers: ClinVar variation 567072 (VCV000567072.9), dbSNP rs1411870484, ClinGen allele CA349082765.